The following is an entry in ClinVar:

ClinVar aggregate classification (germline): Uncertain significance (1 of 4 stars; one submission).

gnomAD v4.1: 1 of 1,613,698 alleles (0.000062%); highest among the groups gnomAD compares: Non-Finnish European, 0.000085%; no homozygotes.

Submission:

Labcorp Genetics (formerly Invitae), Labcorp
Classification: Uncertain significance. Last evaluated: 2024-09-20. Review status: criteria provided, single submitter. Criteria: Invitae Variant Classification Sherloc (09022015). Collection method: clinical testing. Allele origin: germline.
Comment: This sequence change replaces isoleucine, which is neutral and non-polar, with methionine, which is neutral and non-polar, at codon 138 of the MS4A1 protein (p.Ile138Met). This variant is present in population databases (rs148966123, gnomAD 0.0009%). This variant has not been reported in the literature in individuals affected with MS4A1-related conditions. An algorithm developed to predict the effect of missense changes on protein structure and function (PolyPhen-2) suggests that this variant is likely to be disruptive. In summary, the available evidence is currently insufficient to determine the role of this variant in disease. Therefore, it has been classified as a Variant of Uncertain Significance.

NM_152866.3(MS4A1):c.414A>G (p.Ile138Met)

Gene: MS4A1 (membrane spanning 4-domains A1; plus strand). Cytogenetic location: 11q12.2.
Variant type: single nucleotide variant.
Coding change: c.414A>G on transcript NM_152866.3 (MANE Select); coding-DNA position 414, A replaced by G.
Protein change: p.Ile138Met; replaces isoleucine 138 with methionine.
Molecular consequence: missense variant.
Genome position (GRCh38, 1-based): chr11:60,465,998, A>G. VCF-style: chr11-60465998-A-G. GRCh37 (hg19) VCF-style: chr11-60233471-A-G.
Other names: c.414A>G, p.Ile138Met (NM_152867.2, NM_021950.4); short protein forms I138M.
Identifiers: ClinVar variation 3720295 (VCV003720295.2).